The following is an entry in ClinVar:

NM_004260.4(RECQL4):c.118+6C>G

Genes: RECQL4 (RecQ like helicase 4; minus strand), LOC130001411 (ATAC-STARR-seq lymphoblastoid silent region 19699; plus strand). Cytogenetic location: 8q24.3.
Variant type: single nucleotide variant.
Coding change: c.118+6C>G on transcript NM_004260.4 (MANE Select); 6 bases into the intron after coding-DNA position 118, C replaced by G.
Molecular consequence: intron variant.
Genome position (GRCh38, 1-based): chr8:144,517,596, G>C on the plus strand (C>G on the coding strand, the complement: RECQL4 is on the minus strand). VCF-style: chr8-144517596-G-C. GRCh37 (hg19) VCF-style: chr8-145742980-G-C.
Identifiers: ClinVar variation 1508871 (VCV001508871.5), dbSNP rs1343975009, ClinGen allele CA585833110.
Genomic context (GRCh38, chr8:144,517,596, plus strand): 5'-AGGGTGGGGCCTGGGCCCCTGCCGACCCGGTGTCTTCTCGCCCCCGCCGCCCCGCCGCGC[G>C]CTCACCGCGGGTCTCCTCCGGCGCCGCCTCCACGTCGTCCTGTAAAGGGAACGCGTCAGC-3'

ClinVar aggregate classification (germline): Uncertain significance (1 of 4 stars; one submission).

Conditions:
Baller-Gerold syndrome (BGS). Also called: CRANIOSYNOSTOSIS WITH RADIAL DEFECTS. Identifiers: Orphanet 1225, MedGen C0265308, MONDO:0009039, OMIM 218600.

gnomAD v4.1: 4 of 1,481,054 alleles (0.00027%); highest among the groups gnomAD compares: Non-Finnish European, 0.00036%; no homozygotes.

Submission:

Labcorp Genetics (formerly Invitae), Labcorp
Classification: Uncertain significance for Baller-Gerold syndrome. Last evaluated: 2024-04-22. Review status: criteria provided, single submitter. Criteria: Invitae Variant Classification Sherloc (09022015). Collection method: clinical testing. Allele origin: germline.
Comment: This sequence change falls in intron 2 of the RECQL4 gene. It does not directly change the encoded amino acid sequence of the RECQL4 protein. It affects a nucleotide within the consensus splice site. This variant is not present in population databases (gnomAD no frequency). This variant has not been reported in the literature in individuals affected with RECQL4-related conditions. ClinVar contains an entry for this variant (Variation ID: 1508871). Variants that disrupt the consensus splice site are a relatively common cause of aberrant splicing (PMID: 17576681, 9536098). Algorithms developed to predict the effect of sequence changes on RNA splicing suggest that this variant is not likely to affect RNA splicing. In summary, the available evidence is currently insufficient to determine the role of this variant in disease. Therefore, it has been classified as a Variant of Uncertain Significance.

Literature cited by the submitters: PubMed 17576681; PubMed 9536098.